The following is an entry in ClinVar:

ClinVar aggregate classification (germline): Likely benign (1 of 4 stars; one submission).

Submission:

CeGaT Center for Human Genetics Tuebingen
Classification: Likely benign. Last evaluated: 2022-09-01. Review status: criteria provided, single submitter. Criteria: CeGaT Center For Human Genetics Tuebingen Variant Classification Criteria Version 2. Collection method: clinical testing. Allele origin: germline. Affected: yes. Observed: 1 variant allele.
Comment: CHRNE: PM2:Supporting, BP4, BP7

NM_000080.4(CHRNE):c.1404G>A (p.Val468=)

Gene: CHRNE (cholinergic receptor nicotinic epsilon subunit; minus strand). Cytogenetic location: 17p13.2.
Variant type: single nucleotide variant.
Coding change: c.1404G>A on transcript NM_000080.4 (MANE Select); coding-DNA position 1404, G replaced by A.
Protein change: p.Val468=; no amino-acid change (valine 468 retained).
Molecular consequence: synonymous variant.
Genome position (GRCh38, 1-based): chr17:4,898,814, C>T on the plus strand (G>A on the coding strand, the complement: CHRNE is on the minus strand). VCF-style: chr17-4898814-C-T. GRCh37 (hg19) VCF-style: chr17-4802109-C-T.
Identifiers: ClinVar variation 3026418 (VCV003026418.22), dbSNP rs2509299394, ClinGen allele CA497675862.